The following is an entry in ClinVar:

NM_001369.3(DNAH5):c.5177T>C (p.Leu1726Pro)

Gene: DNAH5 (dynein axonemal heavy chain 5; minus strand). Cytogenetic location: 5p15.2.
Variant type: single nucleotide variant.
Coding change: c.5177T>C on transcript NM_001369.3 (MANE Select); coding-DNA position 5177, T replaced by C.
Protein change: p.Leu1726Pro; replaces leucine 1726 with proline.
Molecular consequence: missense variant.
Genome position (GRCh38, 1-based): chr5:13,844,931, A>G on the plus strand (T>C on the coding strand, the complement: DNAH5 is on the minus strand). VCF-style: chr5-13844931-A-G. GRCh37 (hg19) VCF-style: chr5-13845040-A-G.
Other names: short protein forms L1726P.
Identifiers: ClinVar variation 369664 (VCV000369664.17), dbSNP rs138890576, ClinGen allele CA3203769.
Genomic context (GRCh38, chr5:13,844,931, plus strand): 5'-AACACATTCAGCAAATGGGCCTGTATAGTGTGGGAGTCCGACGCCTGCCCCAGAATCTCT[A>G]GAAGGGCAGGATCTGAGACGAAGAAAAACCGAGGAAAGCACAGTCGTTTTTTCTCCAAGT-3'
Protein context (NP_001360.1, residues 1716-1736): RFFFVSDPAL[Leu1726Pro]EILGQASDSH

ClinVar aggregate classification (germline): Pathogenic. Review status: criteria provided, multiple submitters, no conflicts (2 of 4 stars). 4 submissions from 4 submitters: Pathogenic (4). Last evaluated 2025-12-17.

Conditions:
Primary ciliary dyskinesia 3. Identifiers: Orphanet 244, MedGen C1837618, MONDO:0012085, OMIM 608644.
Primary ciliary dyskinesia. Also called: Ciliary dyskinesia. Identifiers: Orphanet 244, MedGen C0008780, MONDO:0016575, HP:0012265.

Allele frequency attached by ClinVar (database versions not stated): ExAC 0.00001; gnomAD 0.00001; gnomAD exomes 0.00001 and 0.00002; TOPMed 0.00002; ESP Exome Variant Server 0.00008.
gnomAD v4.1: 35 of 1,614,066 alleles (0.0022%); highest among the groups gnomAD compares: Non-Finnish European, 0.0029%; no homozygotes.

Submissions (4):

Natera, Inc.
Classification: Pathogenic for Primary ciliary dyskinesia. Last evaluated: 2025-12-17. Review status: criteria provided, single submitter. Criteria: Natera Variant Classification Schema (03/2026). Collection method: clinical testing. Allele origin: germline.
Comment: The c.5177T>C variant in DNAH5 is a missense variant predicted to cause substitution of leucine to proline at amino acid 1726. This variant is rare in the general population with a frequency below the threshold expected for the associated phenotype(s). This variant has been observed in one or more individuals affected with the associated recessive disease, as either homozygous or compound heterozygous with a second variant (PMID: 26228299, 26938784). Computational prediction algorithms indicate this variant is likely to affect gene or protein function. Given the available evidence, this variant is classified as Pathogenic.

Labcorp Genetics (formerly Invitae), Labcorp
Classification: Pathogenic for Primary ciliary dyskinesia. Last evaluated: 2025-10-03. Review status: criteria provided, single submitter. Criteria: Invitae Variant Classification Sherloc (09022015). Collection method: clinical testing. Allele origin: germline.
Comment: This sequence change replaces leucine, which is neutral and non-polar, with proline, which is neutral and non-polar, at codon 1726 of the DNAH5 protein (p.Leu1726Pro). This variant is present in population databases (rs138890576, gnomAD 0.003%). This missense change has been observed in individual(s) with primary ciliary dyskinesia (PMID: 26228299, 26938784, 29453417; internal data). In at least one individual the data is consistent with being in trans (on the opposite chromosome) from a pathogenic variant. ClinVar contains an entry for this variant (Variation ID: 369664). Invitae Evidence Modeling of protein sequence and biophysical properties (such as structural, functional, and spatial information, amino acid conservation, physicochemical variation, residue mobility, and thermodynamic stability) has been performed for this missense variant. However, the output from this modeling did not meet the statistical confidence thresholds required to predict the impact of this variant on DNAH5 protein function. For these reasons, this variant has been classified as Pathogenic.

Laboratory of Genetics, Children's Clinical University Hospital Latvia
Classification: Pathogenic. Last evaluated: 2025-02-16. Review status: criteria provided, single submitter. Criteria: ACMG Guidelines, 2015. Collection method: clinical testing. Allele origin: germline. Affected: yes.

Victorian Clinical Genetics Services, Murdoch Childrens Research Institute
Classification: Pathogenic for Primary ciliary dyskinesia 3. Last evaluated: 2022-02-02. Review status: criteria provided, single submitter. Criteria: ACMG Guidelines, 2015. Collection method: clinical testing. Allele origin: germline. Inheritance: Autosomal recessive inheritance.
Comment: Based on the classification scheme VCGS_Germline_v1.3.4, this variant is classified as Pathogenic. Following criteria are met: 0102 - Loss of function is a known mechanism of disease in this gene and is associated with primary ciliary dyskinesia 3, with or without situs inversus (PCD; MIM#608644). (I) 0106 - This gene is associated with autosomal recessive disease. (I) 0200 - Variant is predicted to result in a missense amino acid change from leucine to proline. (I) 0251 - This variant is heterozygous. (I) 0304 - Variant is present in gnomAD <0.01 for a recessive condition (v2: 3 heterozygotes, 0 homozygotes). (SP) 0309 - An alternative amino acid change at the same position has been observed in gnomAD (v2: 1 heterozygote, 0 homozygotes). (I) 0502 - Missense variant with conflicting in silico predictions and uninformative conservation. (I) 0600 - Variant is located in the annotated dynein heavy chain domain, N-terminal region 2 (DECIPHER). (I) 0705 - No comparable missense variants have previous evidence for pathogenicity. (I) 0801 - This variant has strong previous evidence of pathogenicity in unrelated individuals. It has been reported in multiple individuals with primary ciliary dyskinesia (ClinVar, PMIDs: 29363216, 26228299). (SP) 0905 - No published segregation evidence has been identified for this variant. (I) 1007 - No published functional evidence has been identified for this variant. (I) 1201 - Heterozygous variant detected in trans with a second pathogenic heterozygous variant (p.(Pro3606Hisfs*23)) in a recessive disease. (I) Legend: (SP) - Supporting pathogenic, (I) - Information, (SB) - Supporting benign

Literature cited by the submitters: PubMed 26228299 (cited by 3 submitters); PubMed 26938784 (cited by 3 submitters); PubMed 29453417 (cited by Labcorp Genetics (formerly Invitae), Labcorp); PubMed 29363216 (cited by Victorian Clinical Genetics Services, Murdoch Childrens Research Institute).